The following is an entry in ClinVar:

ClinVar aggregate classification (germline): Uncertain significance (1 of 4 stars; one submission).

gnomAD v4.1: 4 of 1,612,768 alleles (0.00025%); highest among the groups gnomAD compares: African/African-American, 0.0027%; no homozygotes.

Submission:

Labcorp Genetics (formerly Invitae), Labcorp
Classification: Uncertain significance. Last evaluated: 2024-10-04. Review status: criteria provided, single submitter. Criteria: Invitae Variant Classification Sherloc (09022015). Collection method: clinical testing. Allele origin: germline.
Comment: This sequence change replaces threonine, which is neutral and polar, with isoleucine, which is neutral and non-polar, at codon 473 of the ACBD5 protein (p.Thr473Ile). This variant is present in population databases (no rsID available, gnomAD 0.007%). This variant has not been reported in the literature in individuals affected with ACBD5-related conditions. Invitae Evidence Modeling of protein sequence and biophysical properties (such as structural, functional, and spatial information, amino acid conservation, physicochemical variation, residue mobility, and thermodynamic stability) indicates that this missense variant is not expected to disrupt ACBD5 protein function with a negative predictive value of 80%. In summary, the available evidence is currently insufficient to determine the role of this variant in disease. Therefore, it has been classified as a Variant of Uncertain Significance.

NM_145698.5(ACBD5):c.1418C>T (p.Thr473Ile)

Gene: ACBD5 (acyl-CoA binding domain containing 5; minus strand). Cytogenetic location: 10p12.1.
Variant type: single nucleotide variant.
Coding change: c.1418C>T on transcript NM_145698.5 (MANE Select); coding-DNA position 1418, C replaced by T.
Protein change: p.Thr473Ile; replaces threonine 473 with isoleucine.
Molecular consequence: missense variant.
Genome position (GRCh38, 1-based): chr10:27,205,235, G>A on the plus strand (C>T on the coding strand, the complement: ACBD5 is on the minus strand). VCF-style: chr10-27205235-G-A. GRCh37 (hg19) VCF-style: chr10-27494164-G-A.
Other names: c.1313C>T, p.Thr438Ile (NM_001042473.4, NM_001352577.2, NM_001352578.2 and 1 more transcripts); c.1412C>T, p.Thr471Ile (NM_001271512.3); c.1091C>T, p.Thr364Ile (NM_001301251.2, NM_001301252.2, NM_001301253.2 and 2 more transcripts); c.887C>T, p.Thr296Ile (NM_001301254.2); c.1472C>T, p.Thr491Ile (NM_001352568.1); c.1451C>T, p.Thr484Ile (NM_001352569.1); c.1418C>T, p.Thr473Ile (NM_001352570.1); c.1445C>T, p.Thr482Ile (NM_001352571.1); and 10 more; short protein forms T296I, T370I, T416I, T438I, T449I, T480I, T364I, T403I.
Identifiers: ClinVar variation 3676121 (VCV003676121.2).